The following is an entry in ClinVar:

NM_177438.3(DICER1):c.145-12C>G

Gene: DICER1 (dicer 1, ribonuclease III; minus strand). Cytogenetic location: 14q32.13.
Variant type: single nucleotide variant.
Coding change: c.145-12C>G on transcript NM_177438.3 (MANE Select); 12 bases into the intron before coding-DNA position 145, C replaced by G.
Molecular consequence: intron variant.
Genome position (GRCh38, 1-based): chr14:95,132,689, G>C on the plus strand (C>G on the coding strand, the complement: DICER1 is on the minus strand). VCF-style: chr14-95132689-G-C. GRCh37 (hg19) VCF-style: chr14-95599026-G-C.
Other names: c.-130-12C>G (NM_001395688.1, NM_001395696.1, NM_001395698.1 and 4 more transcripts); c.-1424-12C>G (NM_001395697.1); c.145-12C>G (NM_001395679.1, NM_001395682.1, NM_001271282.3 and 14 more transcripts); c.-314-12C>G (NM_001395691.1).
Identifiers: ClinVar variation 2812692 (VCV002812692.3), dbSNP rs2140289573, ClinGen allele CA2739279616.

ClinVar aggregate classification (germline): Uncertain significance (1 of 4 stars; one submission).

Conditions:
DICER1-related tumor predisposition. Also called: DICER1 syndrome; DICER1-related pleuropulmonary blastoma cancer predisposition syndrome. Identifiers: Orphanet 284343, MedGen C3839822, MONDO:0100216.

Submission:

Labcorp Genetics (formerly Invitae), Labcorp
Classification: Uncertain significance for DICER1-related tumor predisposition. Last evaluated: 2023-05-08. Review status: criteria provided, single submitter. Criteria: Invitae Variant Classification Sherloc (09022015). Collection method: clinical testing. Allele origin: germline.
Comment: In summary, the available evidence is currently insufficient to determine the role of this variant in disease. Therefore, it has been classified as a Variant of Uncertain Significance. Algorithms developed to predict the effect of sequence changes on RNA splicing suggest that this variant may disrupt the consensus splice site. This variant has not been reported in the literature in individuals affected with DICER1-related conditions. This variant is not present in population databases (gnomAD no frequency). This sequence change falls in intron 2 of the DICER1 gene. It does not directly change the encoded amino acid sequence of the DICER1 protein.